The following is an entry in ClinVar:

ClinVar aggregate classification (germline): Benign (1 of 4 stars; one submission).

Conditions:
Melanoma, cutaneous malignant, susceptibility to, 3. Also called: Cutaneous malignant melanoma 3. Identifiers: Orphanet 618, MedGen C1836892, MONDO:0012183, OMIM 609048.

gnomAD v4.1: 1 of 1,596,366 alleles (0.000063%); highest among the groups gnomAD compares: Non-Finnish European, 0.000086%; no homozygotes.

Submission:

Myriad Genetics, Inc.
Classification: Benign for Melanoma, cutaneous malignant, susceptibility to, 3. Last evaluated: 2024-09-30. Review status: criteria provided, single submitter. Criteria: Myriad Autosomal Dominant, Autosomal Recessive and X-Linked Classification Criteria (2023). Collection method: clinical testing. Allele origin: unknown.
Comment: This variant is considered benign. This variant occurs in the non-coding 3' untranslated region of the gene, and is not expected to impact protein function.

NM_000075.4(CDK4):c.*10T>A

Genes: CDK4 (cyclin dependent kinase 4; minus strand), TSPAN31 (tetraspanin 31; plus strand). Cytogenetic location: 12q14.1.
Variant type: single nucleotide variant.
Coding change: c.*10T>A on transcript NM_000075.4 (MANE Select); 10 bases downstream of the stop codon, T replaced by A.
Molecular consequence: 3 prime UTR variant.
Genome position (GRCh38, 1-based): chr12:57,748,515, A>T on the plus strand (T>A on the coding strand, the complement: CDK4 is on the minus strand). VCF-style: chr12-57748515-A-T. GRCh37 (hg19) VCF-style: chr12-58142298-A-T.
Other names: c.*1225A>T (NM_001330168.2, NM_001330169.2, NM_005981.5).
Identifiers: ClinVar variation 3378699 (VCV003378699.1).